The following is an entry in ClinVar:

ClinVar aggregate classification (germline): Uncertain significance (1 of 4 stars; one submission).

Conditions:
Hereditary cancer-predisposing syndrome. Also called: Tumor predisposition; Neoplastic Syndromes, Hereditary; Hereditary Cancer Syndrome; Hereditary neoplastic syndrome. Identifiers: Orphanet 140162, MedGen C0027672, MeSH D009386, MONDO:0015356.

Submission:

Ambry Genetics
Classification: Uncertain significance for Hereditary cancer-predisposing syndrome. Last evaluated: 2024-10-29. Review status: criteria provided, single submitter. Criteria: Ambry Variant Classification Scheme 2023. Collection method: clinical testing. Allele origin: germline.
Comment: The p.A58D variant (also known as c.173C>A), located in coding exon 2 of the CTNNA1 gene, results from a C to A substitution at nucleotide position 173. The alanine at codon 58 is replaced by aspartic acid, an amino acid with dissimilar properties. This amino acid position is conserved. In addition, this alteration is predicted to be deleterious by in silico analysis. Based on the available evidence, the clinical significance of this variant remains unclear.

NM_001903.5(CTNNA1):c.173C>A (p.Ala58Asp)

Gene: CTNNA1 (catenin alpha 1; plus strand). Cytogenetic location: 5q31.2.
Variant type: single nucleotide variant.
Coding change: c.173C>A on transcript NM_001903.5 (MANE Select); coding-DNA position 173, C replaced by A.
Protein change: p.Ala58Asp; replaces alanine 58 with aspartic acid.
Molecular consequence: missense variant. On other transcripts: 5 prime UTR variant (1), intron variant (1).
Genome position (GRCh38, 1-based): chr5:138,783,244, C>A. VCF-style: chr5-138783244-C-A. GRCh37 (hg19) VCF-style: chr5-138118933-C-A.
Other names: c.173C>A, p.Ala58Asp (NM_001290307.3, NM_001323982.2, NM_001323983.1 and 3 more transcripts); c.-34C>A (NM_001290310.3); c.-9+1215C>A (NM_001290309.3); short protein forms A58D.
Identifiers: ClinVar variation 3498259 (VCV003498259.1).
Genomic context (GRCh38, chr5:138,783,244, plus strand): 5'-CCCTTGTAAACACCAATAGTAAAGGGCCCTCTAATAAGAAGAGAGGTCGTTCTAAGAAGG[C>A]CCATGTTTTGGCTGCATCTGTTGAACAAGCAACTGAGAATTTCTTGGAGAAGGGGGATAA-3'
Protein context (NP_001894.2, residues 48-68): SNKKRGRSKK[Ala58Asp]HVLAASVEQA